The following is an entry in ClinVar:

NM_000234.3(LIG1):c.2033G>A (p.Arg678His)

Gene: LIG1 (DNA ligase 1; minus strand). Cytogenetic location: 19q13.33.
Variant type: single nucleotide variant.
Coding change: c.2033G>A on transcript NM_000234.3 (MANE Select); coding-DNA position 2033, G replaced by A.
Protein change: p.Arg678His; replaces arginine 678 with histidine.
Molecular consequence: missense variant. On other transcripts: non-coding transcript variant (6).
Genome position (GRCh38, 1-based): chr19:48,123,290, C>T on the plus strand (G>A on the coding strand, the complement: LIG1 is on the minus strand). VCF-style: chr19-48123290-C-T. GRCh37 (hg19) VCF-style: chr19-48626547-C-T.
Other names: c.1940G>A, p.Arg647His (NM_001289063.2); c.1829G>A, p.Arg610His (NM_001289064.2); c.2030G>A, p.Arg677His (NM_001320970.2); c.1943G>A, p.Arg648His (NM_001320971.2); short protein forms R647H, R648H, R677H, R678H, R610H.
Identifiers: ClinVar variation 2128964 (VCV002128964.4), dbSNP rs777689854, ClinGen allele CA9546574.

ClinVar aggregate classification (germline): Uncertain significance (1 of 4 stars; one submission).

Allele frequency attached by ClinVar (database versions not stated): ExAC 0.00001; gnomAD 0.00002.
gnomAD v4.1: 6 of 1,613,706 alleles (0.00037%); highest among the groups gnomAD compares: African/African-American, 0.0027%; no homozygotes.

Submission:

Labcorp Genetics (formerly Invitae), Labcorp
Classification: Uncertain significance. Last evaluated: 2023-12-11. Review status: criteria provided, single submitter. Criteria: Invitae Variant Classification Sherloc (09022015). Collection method: clinical testing. Allele origin: germline.
Comment: This sequence change replaces arginine, which is basic and polar, with histidine, which is basic and polar, at codon 678 of the LIG1 protein (p.Arg678His). This variant is present in population databases (rs777689854, gnomAD 0.008%). This variant has not been reported in the literature in individuals affected with LIG1-related conditions. ClinVar contains an entry for this variant (Variation ID: 2128964). An algorithm developed to predict the effect of missense changes on protein structure and function (PolyPhen-2) suggests that this variant is likely to be disruptive. In summary, the available evidence is currently insufficient to determine the role of this variant in disease. Therefore, it has been classified as a Variant of Uncertain Significance.